The following is an entry in ClinVar:

NM_000455.5(STK11):c.580G>T (p.Asp194Tyr)

Gene: STK11 (serine/threonine kinase 11; plus strand). Cytogenetic location: 19p13.3.
Variant type: single nucleotide variant.
Coding change: c.580G>T on transcript NM_000455.5 (MANE Select); coding-DNA position 580, G replaced by T.
Protein change: p.Asp194Tyr; replaces aspartic acid 194 with tyrosine.
Molecular consequence: missense variant.
Genome position (GRCh38, 1-based): chr19:1,220,488, G>T. VCF-style: chr19-1220488-G-T. GRCh37 (hg19) VCF-style: chr19-1220487-G-T.
Other names: short protein forms D194Y.
Identifiers: ClinVar variation 7450 (VCV000007450.4), dbSNP rs121913315, ClinGen allele CA023094.

ClinVar aggregate classification (germline): Pathogenic. Review status: criteria provided, multiple submitters, no conflicts (2 of 4 stars). 3 submissions from 3 submitters: Pathogenic (2). 1 of the submissions does not count toward it. Last evaluated 2023-06-26.

Conditions:
Hereditary cancer-predisposing syndrome. Also called: Neoplastic Syndromes, Hereditary; Tumor predisposition; Hereditary neoplastic syndrome; Hereditary Cancer Syndrome. Identifiers: Orphanet 140162, MedGen C0027672, MeSH D009386, MONDO:0015356.
Melanoma, cutaneous malignant, susceptibility to, 1 (CMM1). Also called: MELANOMA, MALIGNANT; B-K MOLE SYNDROME; DYSPLASTIC NEVUS SYNDROME, HEREDITARY; FAMILIAL ATYPICAL MOLE-MALIGNANT MELANOMA SYNDROME. Identifiers: Orphanet 618, MedGen C1835047, MONDO:0007963, OMIM 155600.

Submissions (3):

GeneDx
Classification: Pathogenic. Last evaluated: 2023-06-26. Review status: criteria provided, single submitter. Criteria: GeneDx Variant Classification Process June 2021. Collection method: clinical testing. Allele origin: germline. Affected: yes.
Comment: Published functional studies demonstrate a damaging effect: reduced kinase activity, increased motility, and loss of tumor suppressor ability (Granado-Martinez et al., 2020; Donnelly et al., 2021); Not observed at significant frequency in large population cohorts (gnomAD); In silico analysis supports that this missense variant has a deleterious effect on protein structure/function; This variant is associated with the following publications: (PMID: 15863673, 27467201, 10208439, 26917230, 34849607, 32647375)

Ambry Genetics
Classification: Pathogenic for Hereditary cancer-predisposing syndrome. Last evaluated: 2020-10-30. Review status: criteria provided, single submitter. Criteria: Ambry Variant Classification Scheme 2023. Collection method: clinical testing. Allele origin: germline.
Comment: The p.D194Y pathogenic mutation (also known as c.580G>T), located in coding exon 4 of the STK11 gene, results from a G to T substitution at nucleotide position 580. The aspartic acid at codon 194 is replaced by tyrosine, an amino acid with highly dissimilar properties. This alteration has been reported in an individual with a clinical diagnosis of Peutz-Jeghers syndrome (PJS) (Zheng B et al. J Pediatr Gastroenterol Nutr, 2017 04;64:559-564). Two other alterations at the same codon, p.D194N (c.580G>A) and p.D194E (c.582C>A), have been described in multiple families meeting clinical diagnostic criteria for PJS (Westerman AM et al. Hum. Mutat. 1999;13:476-81; Lim W et al. Br. J. Cancer. 2003 Jul;89:308-13; Schumacher V et al. J. Med. Genet. 2005 May;42:428-35; Hearle NC et al. J. Med. Genet. 2006 Apr;43:e15; Chow E et al. Clin. Genet. 2006 Nov;70:409-14; Klumpen, HJ et al. J Clin Oncol. 2011 Feb 20;29(6):e150-3; Korsse, SE et al. J Med Genet. 2013 Jan;50(1):59-64; Borun P et al. BMC Med. Genet. 2013 May;14:58; Jiang YL et al. Cancer Genet. 2019 01;230:47-57). This variant was not reported in population-based cohorts in the Genome Aggregation Database (gnomAD). In one functional study, this alteration demonstrated reduced kinase activity compared to wildtype (Granado-Mart&iacute;nez P et al. Commun Biol, 2020 Jul;3:366). This amino acid position is highly conserved in available vertebrate species. In addition, this alteration is predicted to be deleterious by in silico analysis. Based on the supporting evidence, this alteration is interpreted as a disease-causing mutation.

OMIM
Classification: Pathogenic for MELANOMA, MALIGNANT, SOMATIC. Last evaluated: 1999-03-04. Review status: no assertion criteria provided. Collection method: literature only. Allele origin: somatic. Not counted in ClinVar's aggregate classification.

Literature cited by the submitters: PubMed 27467201 (cited by Ambry Genetics); PubMed 10208439 (cited by OMIM).